The following is an entry in ClinVar:

ClinVar aggregate classification (germline): Uncertain significance (1 of 4 stars; one submission).

Conditions:
Primary ciliary dyskinesia. Also called: Ciliary dyskinesia. Identifiers: Orphanet 244, MedGen C0008780, MONDO:0016575, HP:0012265.

Submission:

Labcorp Genetics (formerly Invitae), Labcorp
Classification: Uncertain significance for Primary ciliary dyskinesia. Last evaluated: 2021-06-19. Review status: criteria provided, single submitter. Criteria: Invitae Variant Classification Sherloc (09022015). Collection method: clinical testing. Allele origin: germline.
Comment: This variant is not present in population databases (ExAC no frequency). This variant, c.137_160del, results in the deletion of 8 amino acid(s) of the DNAH8 protein (p.Gly46_Asp53del), but otherwise preserves the integrity of the reading frame. In summary, the available evidence is currently insufficient to determine the role of this variant in disease. Therefore, it has been classified as a Variant of Uncertain Significance. Experimental studies and prediction algorithms are not available or were not evaluated, and the functional significance of this variant is currently unknown. This variant has not been reported in the literature in individuals with DNAH8-related conditions.

NM_001206927.2(DNAH8):c.137_160del (p.Gly46_Asp53del)

Genes: DNAH8 (dynein axonemal heavy chain 8; plus strand), LOC126859667 (BRD4-independent group 4 enhancer GRCh37_chr6:38690326-38691525; plus strand). Cytogenetic location: 6p21.2.
Variant type: Deletion.
Coding change: c.137_160del on transcript NM_001206927.2 (MANE Select); coding-DNA positions 137 to 160, 24 bases deleted (GTTTCTCTCCTTCCGCAGAAGATG).
Protein change: p.Gly46_Asp53del.
Molecular consequence: inframe deletion. On other transcripts: 5 prime UTR variant (1).
Genome position (GRCh38, 1-based): chr6:38,722,946-38,722,969, GTTTCTCTCCTTCCGCAGAAGATG deleted; deleting any 24 consecutive bases within chr6:38,722,936-38,722,969 gives the same sequence; the c. name uses the placement nearest the transcript's 3' end. VCF-style (leftmost placement, unchanged base first): chr6-38722935-GGCAGAAGATGGTTTCTCTCCTTCC-G. GRCh37 (hg19) VCF-style: chr6-38690711-GGCAGAAGATGGTTTCTCTCCTTCC-G.
Other names: c.-430_-407del (NM_001371.4).
Identifiers: ClinVar variation 1476918 (VCV001476918.6), dbSNP rs774952820, ClinGen allele CA566705510.
Genomic context (GRCh38, chr6:38,722,935, plus strand): 5'-GGCTGCCCCTCCCCGTTCAGAAGAGGAAGAGGCCCCGCGCCCTCCGACAGTGGAGGCCCC[GGCAGAAGATGGTTTCTCTCCTTCC>G]GCAGAAGATGCTGTTTCTTCTGTGGTGGATTATCGGGATCTCATTCCTTCTGAAGAAGGG-3'